The following is an entry in ClinVar:

ClinVar aggregate classification (germline): Uncertain significance. Review status: criteria provided, multiple submitters, no conflicts (2 of 4 stars). 2 submissions from 2 submitters: Uncertain significance (2). Last evaluated 2025-10-28.

Allele frequency attached by ClinVar (database versions not stated): ESP Exome Variant Server 0.00008; gnomAD 0.00011 and 0.00013; TOPMed 0.00011; gnomAD exomes 0.00013 and 0.00014; ExAC 0.00021; 1000 Genomes Project 30x 0.00047; 1000 Genomes Project 0.00060.
gnomAD v4.1: 230 of 1,589,438 alleles (0.014%); highest among the groups gnomAD compares: South Asian, 0.026%; no homozygotes.

Submissions (2):

Labcorp Genetics (formerly Invitae), Labcorp
Classification: Uncertain significance. Last evaluated: 2025-10-28. Review status: criteria provided, single submitter. Criteria: Invitae Variant Classification Sherloc (09022015). Collection method: clinical testing. Allele origin: germline.
Comment: This sequence change replaces arginine, which is basic and polar, with histidine, which is basic and polar, at codon 671 of the CEP89 protein (p.Arg671His). This variant is present in population databases (rs181626301, gnomAD 0.04%). This variant has not been reported in the literature in individuals affected with CEP89-related conditions. ClinVar contains an entry for this variant (Variation ID: 1496626). An algorithm developed to predict the effect of missense changes on protein structure and function outputs the following: PolyPhen-2: "Benign". The histidine amino acid residue is found in multiple mammalian species, which suggests that this missense change does not adversely affect protein function. In summary, the available evidence is currently insufficient to determine the role of this variant in disease. Therefore, it has been classified as a Variant of Uncertain Significance.

Ambry Genetics
Classification: Uncertain significance. Last evaluated: 2025-02-12. Review status: criteria provided, single submitter. Criteria: Ambry Variant Classification Scheme 2023. Collection method: clinical testing. Allele origin: germline.

NM_032816.5(CEP89):c.2012G>A (p.Arg671His)

Gene: CEP89 (centrosomal protein 89; minus strand). Cytogenetic location: 19q13.11.
Variant type: single nucleotide variant.
Coding change: c.2012G>A on transcript NM_032816.5 (MANE Select); coding-DNA position 2012, G replaced by A.
Protein change: p.Arg671His; replaces arginine 671 with histidine.
Molecular consequence: missense variant.
Genome position (GRCh38, 1-based): chr19:32,881,967, C>T on the plus strand (G>A on the coding strand, the complement: CEP89 is on the minus strand). VCF-style: chr19-32881967-C-T. GRCh37 (hg19) VCF-style: chr19-33372873-C-T.
Other names: c.2012G>A (NM_032816.3); short protein forms R671H.
Identifiers: ClinVar variation 1496626 (VCV001496626.8), dbSNP rs181626301, ClinGen allele CA9359108.
Genomic context (GRCh38, chr19:32,881,967, plus strand): 5'-CGCATCTCCTGCCGGTACTGGGCTGTCTTGCCGGCGAAGTCCTCCTGCTGCTCCAGCAGA[C>T]GGTGACTGATGTCCCCCAGCTTCAGTGCTGCCTGCTTCTTGTAGCCCTGGTCGGGGGAAG-3'
Protein context (NP_116205.3, residues 661-681): AALKLGDISH[Arg671His]LLEQQEDFAG